The following is an entry in ClinVar:

ClinVar aggregate classification (germline): Uncertain significance (1 of 4 stars; one submission).

Conditions:
Oto-palato-digital syndrome, type II (OPD2). Also called: FACIOPALATOOSSEOUS SYNDROME; OPD II SYNDROME; Otopalatodigital Syndrome, Type II; Otopalatodigital Syndrome Type 2 (FLNA-OPD2). Identifiers: Orphanet 669, Orphanet 90652, MedGen C1844696, MONDO:0010571, OMIM 304120.
Heterotopia, periventricular, X-linked dominant (PVNH1). Also called: PERIVENTRICULAR NODULAR HETEROTOPIA 4; HETEROTOPIA, PERIVENTRICULAR, 1; PERIVENTRICULAR NODULAR HETEROTOPIA 1; X-linked periventricular heterotopia. Identifiers: Orphanet 2149, Orphanet 82004, MedGen C1848213, MONDO:0010233, OMIM 300049.
Melnick-Needles syndrome (MNS). Also called: MELNICK-NEEDLES OSTEODYSPLASTY; OSTEODYSPLASTY OF MELNICK AND NEEDLES; Melnick-Needles Syndrome (FLNA-MNS). Identifiers: Orphanet 2484, MedGen C0025237, MONDO:0010650, OMIM 309350.
Frontometaphyseal dysplasia (FMD1). Identifiers: Orphanet 1826, MedGen C0265293, MONDO:0015942.

Allele frequency attached by ClinVar (database versions not stated): TOPMed below 0.00001.

Submission:

Labcorp Genetics (formerly Invitae), Labcorp
Classification: Uncertain significance for Oto-palato-digital syndrome, type II; Heterotopia, periventricular, X-linked dominant; Frontometaphyseal dysplasia; Melnick-Needles syndrome. Last evaluated: 2020-11-23. Review status: criteria provided, single submitter. Criteria: Invitae Variant Classification Sherloc (09022015). Collection method: clinical testing. Allele origin: germline.
Comment: In summary, the available evidence is currently insufficient to determine the role of this variant in disease. Therefore, it has been classified as a Variant of Uncertain Significance. Advanced modeling of protein sequence and biophysical properties (such as structural, functional, and spatial information, amino acid conservation, physicochemical variation, residue mobility, and thermodynamic stability) performed at Invitae indicates that this missense variant is not expected to disrupt FLNA protein function. This variant has not been reported in the literature in individuals with FLNA-related conditions. This variant is not present in population databases (ExAC no frequency). This sequence change replaces lysine with asparagine at codon 1792 of the FLNA protein (p.Lys1792Asn). The lysine residue is highly conserved and there is a moderate physicochemical difference between lysine and asparagine.

NM_001110556.2(FLNA):c.5400G>T (p.Lys1800Asn)

Gene: FLNA (filamin A; minus strand). Cytogenetic location: Xq28.
Variant type: single nucleotide variant.
Coding change: c.5400G>T on transcript NM_001110556.2 (MANE Select); coding-DNA position 5400, G replaced by T.
Protein change: p.Lys1800Asn; replaces lysine 1800 with asparagine.
Molecular consequence: missense variant.
Genome position (GRCh38, 1-based): chrX:154,354,397, C>A on the plus strand (G>T on the coding strand, the complement: FLNA is on the minus strand). VCF-style: chrX-154354397-C-A. GRCh37 (hg19) VCF-style: chrX-153582765-C-A.
Other names: c.5376G>T, p.Lys1792Asn (NM_001456.4); short protein forms K1800N, K1792N.
Identifiers: ClinVar variation 1503421 (VCV001503421.8), dbSNP rs2067646548, ClinGen allele CA415205141.